The following is an entry in ClinVar:

NM_000535.7(PMS2):c.2104G>A (p.Ala702Thr)

Gene: PMS2 (PMS1 homolog 2, mismatch repair system component; minus strand). Cytogenetic location: 7p22.1.
Variant type: single nucleotide variant.
Coding change: c.2104G>A on transcript NM_000535.7 (MANE Select); coding-DNA position 2104, G replaced by A.
Protein change: p.Ala702Thr; replaces alanine 702 with threonine.
Molecular consequence: missense variant. On other transcripts: non-coding transcript variant (1).
Genome position (GRCh38, 1-based): chr7:5,982,894, C>T on the plus strand (G>A on the coding strand, the complement: PMS2 is on the minus strand). VCF-style: chr7-5982894-C-T. GRCh37 (hg19) VCF-style: chr7-6022525-C-T.
Other names: c.1699G>A, p.Ala567Thr (NM_001322003.2, NM_001322004.2, NM_001322005.2 and 1 more transcripts); c.1948G>A, p.Ala650Thr (NM_001322006.2); c.1786G>A, p.Ala596Thr (NM_001322007.2, NM_001322008.2); c.1543G>A, p.Ala515Thr (NM_001322010.2); c.1171G>A, p.Ala391Thr (NM_001322011.2, NM_001322012.2); c.1531G>A, p.Ala511Thr (NM_001322013.2); c.2104G>A, p.Ala702Thr (NM_001322014.2); c.1795G>A, p.Ala599Thr (NM_001322015.2); short protein forms A702T, A391T, A511T, A567T, A596T, A599T, A515T, A650T.
Identifiers: ClinVar variation 584544 (VCV000584544.9), dbSNP rs1554295821, ClinGen allele CA366737988.

ClinVar aggregate classification (germline): Uncertain significance. Review status: criteria provided, multiple submitters, no conflicts (2 of 4 stars). 3 submissions from 3 submitters: Uncertain significance (3). Last evaluated 2022-04-21.

Conditions:
Hereditary nonpolyposis colorectal neoplasms. Identifiers: MedGen C0009405, MeSH D003123.
Hereditary cancer-predisposing syndrome. Also called: Neoplastic Syndromes, Hereditary; Hereditary Cancer Syndrome; Tumor predisposition; Hereditary neoplastic syndrome. Identifiers: Orphanet 140162, MedGen C0027672, MeSH D009386, MONDO:0015356.

Submissions (3):

Ambry Genetics
Classification: Uncertain significance for Hereditary cancer-predisposing syndrome. Last evaluated: 2022-04-21. Review status: criteria provided, single submitter. Criteria: Ambry Variant Classification Scheme 2023. Collection method: clinical testing. Allele origin: germline.
Comment: The p.A702T variant (also known as c.2104G>A), located in coding exon 12 of the PMS2 gene, results from a G to A substitution at nucleotide position 2104. The alanine at codon 702 is replaced by threonine, an amino acid with similar properties. This amino acid position is highly conserved in available vertebrate species. In addition, this alteration is predicted to be deleterious by in silico analysis. Since supporting evidence is limited at this time, the clinical significance of this alteration remains unclear.

Labcorp Genetics (formerly Invitae), Labcorp
Classification: Uncertain significance for Hereditary nonpolyposis colorectal neoplasms. Last evaluated: 2021-08-03. Review status: criteria provided, single submitter. Criteria: Invitae Variant Classification Sherloc (09022015). Collection method: clinical testing. Allele origin: germline.
Comment: This variant has not been reported in the literature in individuals affected with PMS2-related conditions. The frequency data for this variant in the population databases (ExAC) is considered unreliable due to the presence of homologous sequence, such as pseudogenes or paralogs, in the genome. This sequence change replaces alanine with threonine at codon 702 of the PMS2 protein (p.Ala702Thr). The alanine residue is highly conserved and there is a small physicochemical difference between alanine and threonine. ClinVar contains an entry for this variant (Variation ID: 584544). In summary, the available evidence is currently insufficient to determine the role of this variant in disease. Therefore, it has been classified as a Variant of Uncertain Significance. Algorithms developed to predict the effect of missense changes on protein structure and function (SIFT, PolyPhen-2, Align-GVGD) all suggest that this variant is likely to be disruptive.

GeneKor MSA
Classification: Uncertain significance for Hereditary cancer-predisposing syndrome. Last evaluated: 2018-08-01. Review status: criteria provided, single submitter. Criteria: ACMG Guidelines, 2015. Collection method: clinical testing. Allele origin: germline. Affected: yes.